The following is an entry in ClinVar:

NM_006794.4(GPR75):c.478T>G (p.Cys160Gly)

Genes: GPR75 (G protein-coupled receptor 75; minus strand), GPR75-ASB3 (GPR75-ASB3 readthrough; minus strand). Cytogenetic location: 2p16.2.
Variant type: single nucleotide variant.
Coding change: c.478T>G on transcript NM_006794.4 (MANE Select); coding-DNA position 478, T replaced by G.
Protein change: p.Cys160Gly; replaces cysteine 160 with glycine.
Molecular consequence: missense variant. On other transcripts: intron variant (1).
Genome position (GRCh38, 1-based): chr2:53,854,279, A>C on the plus strand (T>G on the coding strand, the complement: GPR75 is on the minus strand). VCF-style: chr2-53854279-A-C. GRCh37 (hg19) VCF-style: chr2-54081416-A-C.
Other names: c.101+5549T>G (NM_001164165.2); short protein forms C160G.
Identifiers: ClinVar variation 3055252 (VCV003055252.2), dbSNP rs35349235, ClinGen allele CA1657110.

ClinVar aggregate classification (germline): Benign (0 of 4 stars; one submission).

Conditions:
GPR75-related disorder. Also called: GPR75-related condition.

Allele frequency attached by ClinVar (database versions not stated): ExAC 0.00331; 1000 Genomes Project 0.00899; 1000 Genomes Project 30x 0.00968; gnomAD 0.01058; TOPMed 0.01257; ESP Exome Variant Server 0.01284.

Submission:

PreventionGenetics, part of Exact Sciences
Classification: Benign for GPR75-related condition. Last evaluated: 2019-03-06. Review status: no assertion criteria provided. Collection method: clinical testing. Allele origin: germline.
Comment: This variant is classified as benign based on ACMG/AMP sequence variant interpretation guidelines (Richards et al. 2015 PMID: 25741868, with internal and published modifications).